The following is an entry in ClinVar:

ClinVar aggregate classification (germline): Likely benign. Review status: criteria provided, single submitter (1 of 4 stars). 2 submissions from 2 submitters: Likely benign (1). 1 of the submissions does not count toward it. Last evaluated 2025-09-24.

Conditions:
VPS13B-related disorder. Also called: VPS13B-related condition.
Cohen syndrome (COH1). Also called: PEPPER SYNDROME; Cutis verticis gyrata, retinitis pigmentosa, and sensorineural deafness. Identifiers: Orphanet 193, MedGen C0265223, MONDO:0008999, OMIM 216550.

Allele frequency attached by ClinVar (database versions not stated): gnomAD 0.00001; gnomAD exomes 0.00001; TOPMed 0.00001; ExAC 0.00002.
gnomAD v4.1: 5 of 1,614,140 alleles (0.00031%); highest among the groups gnomAD compares: African/African-American, 0.0053%; no homozygotes.

Submissions (2):

Labcorp Genetics (formerly Invitae), Labcorp
Classification: Likely benign for Cohen syndrome. Last evaluated: 2025-09-24. Review status: criteria provided, single submitter. Criteria: Invitae Variant Classification Sherloc (09022015). Collection method: clinical testing. Allele origin: germline.

PreventionGenetics, part of Exact Sciences
Classification: Likely benign for VPS13B-related condition. Last evaluated: 2023-04-06. Review status: no assertion criteria provided. Collection method: clinical testing. Allele origin: germline. Not counted in ClinVar's aggregate classification.
Comment: This variant is classified as likely benign based on ACMG/AMP sequence variant interpretation guidelines (Richards et al. 2015 PMID: 25741868, with internal and published modifications).

NM_152564.5(VPS13B):c.10539A>G (p.Val3513=)

Gene: VPS13B (vacuolar protein sorting 13 homolog B; plus strand). Cytogenetic location: 8q22.2.
Variant type: single nucleotide variant.
Coding change: c.10539A>G on transcript NM_152564.5 (MANE Select); coding-DNA position 10539, A replaced by G.
Protein change: p.Val3513=; no amino-acid change (valine 3513 retained).
Molecular consequence: synonymous variant.
Genome position (GRCh38, 1-based): chr8:99,853,928, A>G. VCF-style: chr8-99853928-A-G. GRCh37 (hg19) VCF-style: chr8-100866156-A-G.
Other names: c.10614A>G, p.Val3538= (NM_017890.5); c.10539A>G (NM_152564.4).
Identifiers: ClinVar variation 1138668 (VCV001138668.11), dbSNP rs753290639, ClinGen allele CA4824966.